The following is an entry in ClinVar:

ClinVar aggregate classification (germline): Likely pathogenic (1 of 4 stars; one submission).

Conditions:
Vici syndrome (VICIS). Identifiers: Orphanet 1493, MedGen C1855772, MONDO:0009452, OMIM 242840.

Submission:

Labcorp Genetics (formerly Invitae), Labcorp
Classification: Likely pathogenic for Vici syndrome. Last evaluated: 2023-10-30. Review status: criteria provided, single submitter. Criteria: Invitae Variant Classification Sherloc (09022015). Collection method: clinical testing. Allele origin: unknown.
Comment: This variant results in a copy number gain of the genomic region encompassing exon(s) 28-42 of the EPG5 gene. While the exact position of this variant cannot be determined from the data, sub-genic copy number gains are generally in tandem (PMID: 25640679). This variant is predicted to be out-of-frame, and may result in an absent or disrupted protein product. Loss-of-function variants in EPG5 are known to be pathogenic (PMID: 23222957, 23674064). This variant has not been reported in the literature in individuals affected with EPG5-related conditions. In summary, the currently available evidence indicates that the variant is pathogenic, but additional data are needed to prove that conclusively. Therefore, this variant has been classified as Likely Pathogenic.

Literature cited by the submitters: PubMed 25640679; PubMed 23222957; PubMed 23674064.

NC_000018.9:g.(?_43437798)_(43469925_?)dup

Gene: EPG5 (ectopic P-granules 5 autophagy tethering factor; minus strand). Cytogenetic location: 18q12.3.
Variant type: Duplication.
Identifiers: ClinVar variation 3242748 (VCV003242748.1).